The following is an entry in ClinVar:

NM_001378454.1(ALMS1):c.103G>C (p.Ala35Pro)

Gene: ALMS1 (ALMS1 centrosome and basal body associated protein; plus strand). Cytogenetic location: 2p13.1.
Variant type: single nucleotide variant.
Coding change: c.103G>C on transcript NM_001378454.1 (MANE Select); coding-DNA position 103, G replaced by C.
Protein change: p.Ala35Pro; replaces alanine 35 with proline.
Molecular consequence: missense variant.
Genome position (GRCh38, 1-based): chr2:73,385,971, G>C. VCF-style: chr2-73385971-G-C. GRCh37 (hg19) VCF-style: chr2-73613099-G-C.
Other names: c.106G>C, p.Ala36Pro (NM_015120.4); short protein forms A36P, A35P.
Identifiers: ClinVar variation 403920 (VCV000403920.9), dbSNP rs955371491, ClinGen allele CA16611001.

ClinVar aggregate classification (germline): Uncertain significance. Review status: criteria provided, multiple submitters, no conflicts (2 of 4 stars). 4 submissions from 4 submitters: Uncertain significance (3). 1 of the submissions does not count toward it. Last evaluated 2023-08-07.

Conditions:
Cardiovascular phenotype. Identifiers: MedGen CN230736.
Alstrom syndrome (ALMS). Identifiers: Orphanet 64, MedGen C0268425, MONDO:0008763, OMIM 203800.

Allele frequency attached by ClinVar (database versions not stated): gnomAD 0.00001; gnomAD exomes 0.00001; TOPMed 0.00002.
gnomAD v4.1: 7 of 1,526,530 alleles (0.00046%); highest among the groups gnomAD compares: African/African-American, 0.0069%; no homozygotes.

Submissions (4):

Ambry Genetics
Classification: Uncertain significance for Cardiovascular phenotype. Last evaluated: 2023-08-07. Review status: criteria provided, single submitter. Criteria: Ambry Variant Classification Scheme 2023. Collection method: clinical testing. Allele origin: germline.
Comment: The p.A36P variant (also known as c.106G>C), located in coding exon 1 of the ALMS1 gene, results from a G to C substitution at nucleotide position 106. The alanine at codon 36 is replaced by proline, an amino acid with highly similar properties. This amino acid position is poorly conserved in available vertebrate species. In addition, this alteration is predicted to be tolerated by in silico analysis. Since supporting evidence is limited at this time, the clinical significance of this alteration remains unclear.

Labcorp Genetics (formerly Invitae), Labcorp
Classification: Uncertain significance for Alstrom syndrome. Last evaluated: 2022-03-08. Review status: criteria provided, single submitter. Criteria: Invitae Variant Classification Sherloc (09022015). Collection method: clinical testing. Allele origin: germline.
Comment: This sequence change replaces alanine, which is neutral and non-polar, with proline, which is neutral and non-polar, at codon 36 of the ALMS1 protein (p.Ala36Pro). This variant is present in population databases (no rsID available, gnomAD 0.006%). This variant has not been reported in the literature in individuals affected with ALMS1-related conditions. ClinVar contains an entry for this variant (Variation ID: 403920). In summary, the available evidence is currently insufficient to determine the role of this variant in disease. Therefore, it has been classified as a Variant of Uncertain Significance.

Fulgent Genetics
Classification: Uncertain significance for Alstrom syndrome. Last evaluated: 2021-11-18. Review status: criteria provided, single submitter. Criteria: ACMG Guidelines, 2015. Collection method: clinical testing. Allele origin: unknown.

Natera, Inc.
Classification: Uncertain significance for Alstrom syndrome. Last evaluated: 2020-09-16. Review status: no assertion criteria provided. Collection method: clinical testing. Allele origin: germline. Not counted in ClinVar's aggregate classification.